The following is an entry in ClinVar:

ClinVar aggregate classification (germline): Pathogenic (1 of 4 stars; one submission).

Conditions:
Telangiectasia, hereditary hemorrhagic, type 2 (HHT2). Also called: ACVRL1-Related Hereditary Hemorrhagic Telangiectasia; Telangiectasia, hereditary hemorrhagic, type II. Identifiers: Orphanet 774, MedGen C1838163, MONDO:0010880, OMIM 600376. Disease mechanism: loss of function.

Submission:

Labcorp Genetics (formerly Invitae), Labcorp
Classification: Pathogenic for Telangiectasia, hereditary hemorrhagic, type 2. Last evaluated: 2022-05-24. Review status: criteria provided, single submitter. Criteria: Invitae Variant Classification Sherloc (09022015). Collection method: clinical testing. Allele origin: germline.
Comment: This missense change has been observed in individual(s) with clinical features of hereditary hemorrhagic telangiectasia (Invitae). In at least one individual the variant was observed to be de novo. For these reasons, this variant has been classified as Pathogenic. This variant disrupts the p.Cys34 amino acid residue in ACVRL1. Other variant(s) that disrupt this residue have been observed in individuals with ACVRL1-related conditions (PMID: 16752392), which suggests that this may be a clinically significant amino acid residue. This variant affects a cysteine residue located within the ACVRL1 protein ectodomain. Cysteine residues in this domain of ACVRL1 are involved in the formation of disulfide bridges critical for protein structure and stability (PMID: 22028876, 22718755, 22799562). In addition, missense substitutions within the ACVRL1 ectodomain affecting cysteine residues are overrepresented in patients with HHT (PMID: 20501893, 26176610 and an online resource). Algorithms developed to predict the effect of missense changes on protein structure and function (SIFT, PolyPhen-2, Align-GVGD) all suggest that this variant is likely to be disruptive. This variant is not present in population databases (gnomAD no frequency). This sequence change replaces cysteine, which is neutral and slightly polar, with arginine, which is basic and polar, at codon 34 of the ACVRL1 protein (p.Cys34Arg).

Literature cited by the submitters: PubMed 16752392; PubMed 22028876; PubMed 22718755; PubMed 22799562; PubMed 20501893; PubMed 26176610.

NM_000020.3(ACVRL1):c.100T>C (p.Cys34Arg)

Gene: ACVRL1 (activin A receptor like type 1; plus strand). Cytogenetic location: 12q13.13.
Variant type: single nucleotide variant.
Coding change: c.100T>C on transcript NM_000020.3 (MANE Select); coding-DNA position 100, T replaced by C.
Protein change: p.Cys34Arg; replaces cysteine 34 with arginine.
Molecular consequence: missense variant.
Genome position (GRCh38, 1-based): chr12:51,913,137, T>C. VCF-style: chr12-51913137-T-C. GRCh37 (hg19) VCF-style: chr12-52306921-T-C.
Other names: c.100T>C, p.Cys34Arg (NM_001077401.2, NM_001406487.1, NM_001406488.1 and 6 more transcripts); short protein forms C34R.
Identifiers: ClinVar variation 1903167 (VCV001903167.5), dbSNP rs2540158250, ClinGen allele CA384897505.